The following is an entry in ClinVar:

ClinVar aggregate classification (germline): Likely pathogenic (1 of 4 stars; one submission).

gnomAD v4.1: 1 of 1,283,882 alleles (0.000078%); highest among the groups gnomAD compares: South Asian, 0.0028%; no homozygotes.

Submission:

Labcorp Genetics (formerly Invitae), Labcorp
Classification: Likely pathogenic. Last evaluated: 2024-06-25. Review status: criteria provided, single submitter. Criteria: Invitae Variant Classification Sherloc (09022015). Collection method: clinical testing. Allele origin: germline.
Comment: This sequence change affects a donor splice site in intron 1 of the DOCK6 gene. It is expected to disrupt RNA splicing. Variants that disrupt the donor or acceptor splice site typically lead to a loss of protein function (PMID: 16199547), and loss-of-function variants in DOCK6 are known to be pathogenic (PMID: 21820096, 25824905). This variant is not present in population databases (gnomAD no frequency). This variant has not been reported in the literature in individuals affected with DOCK6-related conditions. Algorithms developed to predict the effect of sequence changes on RNA splicing suggest that this variant may disrupt the consensus splice site. In summary, the currently available evidence indicates that the variant is pathogenic, but additional data are needed to prove that conclusively. Therefore, this variant has been classified as Likely Pathogenic.

Literature cited by the submitters: PubMed 16199547; PubMed 21820096; PubMed 25824905.

NM_020812.4(DOCK6):c.44+1G>T

Gene: DOCK6 (dedicator of cytokinesis 6; minus strand). Cytogenetic location: 19p13.2.
Variant type: single nucleotide variant.
Coding change: c.44+1G>T on transcript NM_020812.4 (MANE Select); the canonical splice donor site of the intron after coding-DNA position 44, G replaced by T.
Molecular consequence: splice donor variant.
Genome position (GRCh38, 1-based): chr19:11,262,396, C>A on the plus strand (G>T on the coding strand, the complement: DOCK6 is on the minus strand). VCF-style: chr19-11262396-C-A. GRCh37 (hg19) VCF-style: chr19-11373072-C-A.
Other names: c.44+1G>T (NM_001367830.1).
Identifiers: ClinVar variation 3700135 (VCV003700135.2).